The following is an entry in ClinVar:

NM_001395656.1(ROBO2):c.4264G>A (p.Gly1422Ser)

Gene: ROBO2 (roundabout guidance receptor 2; plus strand). Cytogenetic location: 3p12.3.
Variant type: single nucleotide variant.
Coding change: c.4264G>A on transcript NM_001395656.1 (MANE Select); coding-DNA position 4264, G replaced by A.
Protein change: p.Gly1422Ser; replaces glycine 1422 with serine.
Molecular consequence: missense variant.
Genome position (GRCh38, 1-based): chr3:77,644,748, G>A. VCF-style: chr3-77644748-G-A. GRCh37 (hg19) VCF-style: chr3-77693899-G-A.
Other names: c.4027G>A, p.Gly1343Ser (NM_001128929.3); c.3991G>A, p.Gly1331Ser (NM_001290039.2); c.4174G>A, p.Gly1392Ser (NM_001290040.2, NM_001395657.1); c.2200G>A, p.Gly734Ser (NM_001290065.2); c.4312G>A, p.Gly1438Ser (NM_001378190.1); c.4438G>A, p.Gly1480Ser (NM_001378191.1); c.4333G>A, p.Gly1445Ser (NM_001378192.1); c.4252G>A, p.Gly1418Ser (NM_001378193.1); and 11 more; short protein forms G1289S, G1327S, G1347S, G1392S, G1438S, G734S, G1328S, G1350S.
Identifiers: ClinVar variation 2042195 (VCV002042195.6), dbSNP rs766728789, ClinGen allele CA2497822.

ClinVar aggregate classification (germline): Benign. Review status: criteria provided, single submitter (1 of 4 stars). 2 submissions from 2 submitters: Benign (1). 1 of the submissions does not count toward it. Last evaluated 2025-09-13.

Conditions:
ROBO2-related disorder. Also called: ROBO2-related condition.

Allele frequency attached by ClinVar (database versions not stated): gnomAD exomes 0.00010; gnomAD 0.00015; ExAC 0.00023; TOPMed 0.00027.
gnomAD v4.1: 165 of 1,613,774 alleles (0.01%); highest among the groups gnomAD compares: Admixed American, 0.27%; no homozygotes.

Submissions (2):

Labcorp Genetics (formerly Invitae), Labcorp
Classification: Benign. Last evaluated: 2025-09-13. Review status: criteria provided, single submitter. Criteria: Invitae Variant Classification Sherloc (09022015). Collection method: clinical testing. Allele origin: germline.

PreventionGenetics, part of Exact Sciences
Classification: Likely benign for ROBO2-related condition. Last evaluated: 2020-12-15. Review status: no assertion criteria provided. Collection method: clinical testing. Allele origin: germline. Not counted in ClinVar's aggregate classification.
Comment: This variant is classified as likely benign based on ACMG/AMP sequence variant interpretation guidelines (Richards et al. 2015 PMID: 25741868, with internal and published modifications).